The following is an entry in ClinVar:

NM_004006.3(DMD):c.1482+7G>T

Gene: DMD (dystrophin; minus strand). Cytogenetic location: Xp21.1.
Variant type: single nucleotide variant.
Coding change: c.1482+7G>T on transcript NM_004006.3 (MANE Select); 7 bases into the intron after coding-DNA position 1482, G replaced by T.
Molecular consequence: intron variant.
Genome position (GRCh38, 1-based): chrX:32,614,296, C>A on the plus strand (G>T on the coding strand, the complement: DMD is on the minus strand). VCF-style: chrX-32614296-C-A. GRCh37 (hg19) VCF-style: chrX-32632413-C-A.
Other names: c.1458+7G>T (NM_000109.4); c.1470+7G>T (NM_004009.3); c.1113+7G>T (NM_004010.3).
Identifiers: ClinVar variation 288947 (VCV000288947.16), dbSNP rs766338928, ClinGen allele CA10379847.
Genomic context (GRCh38, chrX:32,614,296, plus strand): 5'-CTGTGTATAGGTACTATACACAGAGTTTGCTTTCTAGTAGAAAGCACGCAACATAAGATA[C>A]ACCTACCTTATGTTGTTGTACTTGGCGTTTTAGGTCTTCAAGATCAGGTCCAAGAGGCTC-3'

ClinVar aggregate classification (germline): Conflicting classifications of pathogenicity. Review status: criteria provided, conflicting classifications (1 of 4 stars). 4 submissions from 4 submitters: Uncertain significance (1); Likely benign (2). 1 of the submissions does not count toward it. Last evaluated 2024-09-02.

Conditions:
Cardiomyopathy (CMYO). Also called: Cardiomyopathies. Identifiers: Orphanet 167848, MedGen C0878544, MONDO:0004994, HP:0001638. Inheritance: Various modes of inheritance.
Becker muscular dystrophy (BMD). Also called: MUSCULAR DYSTROPHY, PSEUDOHYPERTROPHIC PROGRESSIVE, BECKER TYPE; Becker Muscular Dystrophy (BMD). Identifiers: Orphanet 98895, MedGen C0917713, MONDO:0010311, OMIM 300376.
Duchenne muscular dystrophy (DMD). Also called: Duchenne Muscular Dystrophy (DMD); MUSCULAR DYSTROPHY, PSEUDOHYPERTROPHIC PROGRESSIVE, DUCHENNE TYPE. Identifiers: Orphanet 98896, MedGen C0013264, MONDO:0010679, OMIM 310200.
Dystrophin deficiency.

Allele frequency attached by ClinVar (database versions not stated): gnomAD exomes below 0.00001 and 0.00003; ExAC 0.00003.
gnomAD v4.1: 5 of 1,207,143 alleles (0.00041%); highest among the groups gnomAD compares: Admixed American, 0.011%; no homozygotes.

Submissions (4):

Labcorp Genetics (formerly Invitae), Labcorp
Classification: Likely benign for Duchenne muscular dystrophy. Last evaluated: 2024-09-02. Review status: criteria provided, single submitter. Criteria: Invitae Variant Classification Sherloc (09022015). Collection method: clinical testing. Allele origin: germline.

GeneDx
Classification: Likely benign. Last evaluated: 2018-05-03. Review status: criteria provided, single submitter. Criteria: GeneDx Variant Classification (06012015). Collection method: clinical testing. Allele origin: germline. Affected: yes.
Comment: This variant is considered likely benign or benign based on one or more of the following criteria: it is a conservative change, it occurs at a poorly conserved position in the protein, it is predicted to be benign by multiple in silico algorithms, and/or has population frequency not consistent with disease.

Eurofins Ntd Llc (ga)
Classification: Uncertain significance. Last evaluated: 2016-06-23. Review status: criteria provided, single submitter. Criteria: EGL Classification Definitions 2015. Collection method: clinical testing. Allele origin: germline. Observed: 1 variant allele, 1 heterozygote.

Natera, Inc.
Classification: Likely benign for Becker muscular dystrophy; Cardiomyopathy; Duchenne muscular dystrophy; Dystrophin deficiency. Last evaluated: 2021-03-09. Review status: no assertion criteria provided. Collection method: clinical testing. Allele origin: germline. Not counted in ClinVar's aggregate classification.